The following is an entry in ClinVar:

NM_000179.3(MSH6):c.1917G>C (p.Glu639Asp)

Gene: MSH6 (mutS homolog 6; plus strand). Cytogenetic location: 2p16.3.
Variant type: single nucleotide variant.
Coding change: c.1917G>C on transcript NM_000179.3 (MANE Select); coding-DNA position 1917, G replaced by C.
Protein change: p.Glu639Asp; replaces glutamic acid 639 with aspartic acid.
Molecular consequence: missense variant.
Genome position (GRCh38, 1-based): chr2:47,799,900, G>C. VCF-style: chr2-47799900-G-C. GRCh37 (hg19) VCF-style: chr2-48027039-G-C.
Other names: c.1527G>C, p.Glu509Asp (NM_001281492.2); c.1011G>C, p.Glu337Asp (NM_001281493.2, NM_001281494.2); short protein forms E639D, E337D, E509D.
Identifiers: ClinVar variation 187139 (VCV000187139.15), dbSNP rs368059229, ClinGen allele CA009457.
Genomic context (GRCh38, chr2:47,799,900, plus strand): 5'-AGGTCTGATACCCGGCTCCCAGTTTTGGGATGCATCCAAAACTTTGAGAACTCTCCTTGA[G>C]GAAGAATATTTTAGGGAAAAGCTAAGTGATGGCATTGGGGTGATGTTACCCCAGGTGCTT-3'
Protein context (NP_000170.1, residues 629-649): DASKTLRTLL[Glu639Asp]EEYFREKLSD

ClinVar aggregate classification (germline): Uncertain significance. Review status: criteria provided, multiple submitters, no conflicts (2 of 4 stars). 2 submissions from 2 submitters: Uncertain significance (2). Last evaluated 2020-02-24.

Conditions:
Hereditary nonpolyposis colorectal neoplasms. Identifiers: MedGen C0009405, MeSH D003123.
Hereditary cancer-predisposing syndrome. Also called: Neoplastic Syndromes, Hereditary; Tumor predisposition; Hereditary Cancer Syndrome; Hereditary neoplastic syndrome. Identifiers: Orphanet 140162, MedGen C0027672, MeSH D009386, MONDO:0015356.

Submissions (2):

Labcorp Genetics (formerly Invitae), Labcorp
Classification: Uncertain significance for Hereditary nonpolyposis colorectal neoplasms. Last evaluated: 2020-02-24. Review status: criteria provided, single submitter. Criteria: Invitae Variant Classification Sherloc (09022015). Collection method: clinical testing. Allele origin: germline.
Comment: In summary, the available evidence is currently insufficient to determine the role of this variant in disease. Therefore, it has been classified as a Variant of Uncertain Significance. Algorithms developed to predict the effect of missense changes on protein structure and function do not agree on the potential impact of this missense change (SIFT: "Tolerated"; PolyPhen-2: "Probably Damaging"; Align-GVGD: "Class C0"). This variant has not been reported in the literature in individuals with MSH6-related disease. ClinVar contains an entry for this variant (Variation ID: 187139). This variant is not present in population databases (ExAC no frequency). This sequence change replaces glutamic acid with aspartic acid at codon 639 of the MSH6 protein (p.Glu639Asp). The glutamic acid residue is highly conserved and there is a small physicochemical difference between glutamic acid and aspartic acid.

Ambry Genetics
Classification: Uncertain significance for Hereditary cancer-predisposing syndrome. Last evaluated: 2014-11-10. Review status: criteria provided, single submitter. Criteria: Ambry Variant Classification Scheme 2023. Collection method: clinical testing. Allele origin: germline.
Comment: The p.E639D variant (also known as c.1917G>C), located in coding exon 4 of the MSH6 gene, results from a G to C substitution at nucleotide position 1917. The glutamic acid at codon 639 is replaced by aspartic acid, an amino acid with highly similar properties. This variant was not reported in population based cohorts in the following databases: Database of Single Nucleotide Polymorphisms (dbSNP), NHLBI Exome Sequencing Project (ESP), and 1000 Genomes Project. In the ESP, this variant was not observed in 6503 samples (13006 alleles) with coverage at this position. To date, this alteration has been detected with an allele frequency of approximately 0.004% (greater than 24000 alleles tested) in our clinical cohort. This amino acid position is highly conserved in available vertebrate species. In addition, this alteration is predicted to be benign yet deleterious by PolyPhen and SIFT in silico analyses, respectively. Since supporting evidence is limited at this time, the clinical significance of p.E639D remains unclear.